The following is an entry in ClinVar:

NM_000230.3(LEP):c.279C>T (p.Asn93=)

Gene: LEP (leptin; plus strand). Cytogenetic location: 7q32.1.
Variant type: single nucleotide variant.
Coding change: c.279C>T on transcript NM_000230.3 (MANE Select); coding-DNA position 279, C replaced by T.
Protein change: p.Asn93=; no amino-acid change (asparagine 93 retained).
Molecular consequence: synonymous variant.
Genome position (GRCh38, 1-based): chr7:128,254,538, C>T. VCF-style: chr7-128254538-C-T. GRCh37 (hg19) VCF-style: chr7-127894591-C-T.
Identifiers: ClinVar variation 3353544 (VCV003353544.1).

ClinVar aggregate classification (germline): Likely benign (0 of 4 stars; one submission).

Conditions:
LEP-related disorder. Also called: LEP-related condition.

gnomAD v4.1: 17 of 1,614,194 alleles (0.0011%); highest among the groups gnomAD compares: Admixed American, 0.0017%; no homozygotes.

Submission:

PreventionGenetics, part of Exact Sciences
Classification: Likely benign for LEP-related condition. Last evaluated: 2023-03-17. Review status: no assertion criteria provided. Collection method: clinical testing. Allele origin: germline.
Comment: This variant is classified as likely benign based on ACMG/AMP sequence variant interpretation guidelines (Richards et al. 2015 PMID: 25741868, with internal and published modifications).